The following is an entry in ClinVar:

NM_015338.6(ASXL1):c.396G>A (p.Ser132=)

Gene: ASXL1 (ASXL transcriptional regulator 1; plus strand). Cytogenetic location: 20q11.21.
Variant type: single nucleotide variant.
Coding change: c.396G>A on transcript NM_015338.6 (MANE Select); coding-DNA position 396, G replaced by A.
Protein change: p.Ser132=; no amino-acid change (serine 132 retained).
Molecular consequence: synonymous variant.
Genome position (GRCh38, 1-based): chr20:32,428,347, G>A. VCF-style: chr20-32428347-G-A. GRCh37 (hg19) VCF-style: chr20-31016150-G-A.
Other names: c.366G>A, p.Ser122= (NM_001363734.1).
Identifiers: ClinVar variation 1701421 (VCV001701421.34), dbSNP rs1323334775, ClinGen allele CA510200484.

ClinVar aggregate classification (germline): Likely benign. Review status: criteria provided, multiple submitters, no conflicts (2 of 4 stars). 3 submissions from 3 submitters: Likely benign (3). Last evaluated 2024-12-08.

Conditions:
Inborn genetic diseases. Identifiers: MedGen C0950123, MeSH D030342.

Allele frequency attached by ClinVar (database versions not stated): gnomAD exomes below 0.00001 and 0.00001; TOPMed 0.00001.
gnomAD v4.1: 10 of 1,614,042 alleles (0.00062%); highest among the groups gnomAD compares: Admixed American, 0.0017%; no homozygotes.

Submissions (3):

Ambry Genetics
Classification: Likely benign for Inborn genetic diseases. Last evaluated: 2024-12-08. Review status: criteria provided, single submitter. Criteria: Ambry Variant Classification Scheme 2023. Collection method: clinical testing. Allele origin: germline.

Labcorp Genetics (formerly Invitae), Labcorp
Classification: Likely benign. Last evaluated: 2024-06-04. Review status: criteria provided, single submitter. Criteria: Invitae Variant Classification Sherloc (09022015). Collection method: clinical testing. Allele origin: germline.

CeGaT Center for Human Genetics Tuebingen
Classification: Likely benign. Last evaluated: 2022-07-01. Review status: criteria provided, single submitter. Criteria: CeGaT Center For Human Genetics Tuebingen Variant Classification Criteria Version 2. Collection method: clinical testing. Allele origin: germline. Affected: yes. Observed: 1 variant allele.
Comment: ASXL1: BP4, BP7